The following is an entry in ClinVar:

ClinVar aggregate classification (germline): Likely benign (1 of 4 stars; one submission).

Allele frequency attached by ClinVar (database versions not stated): ExAC 0.00002; gnomAD 0.00008; TOPMed 0.00009.
gnomAD v4.1: 105 of 1,588,488 alleles (0.0066%); highest among the groups gnomAD compares: Non-Finnish European, 0.0078%; no homozygotes.

Submission:

CeGaT Center for Human Genetics Tuebingen
Classification: Likely benign. Last evaluated: 2022-11-01. Review status: criteria provided, single submitter. Criteria: CeGaT Center For Human Genetics Tuebingen Variant Classification Criteria Version 2. Collection method: clinical testing. Allele origin: germline. Affected: yes. Observed: 1 variant allele.
Comment: SLC44A1: BP4, BP7

NM_080546.5(SLC44A1):c.498G>A (p.Ala166=)

Gene: SLC44A1 (solute carrier family 44 member 1; plus strand). Cytogenetic location: 9q31.1.
Variant type: single nucleotide variant.
Coding change: c.498G>A on transcript NM_080546.5 (MANE Select); coding-DNA position 498, G replaced by A.
Protein change: p.Ala166=; no amino-acid change (alanine 166 retained).
Molecular consequence: synonymous variant.
Genome position (GRCh38, 1-based): chr9:105,348,449, G>A. VCF-style: chr9-105348449-G-A. GRCh37 (hg19) VCF-style: chr9-108110730-G-A.
Other names: c.498G>A, p.Ala166= (NM_001286730.2, NM_001330731.2).
Identifiers: ClinVar variation 2659360 (VCV002659360.24), dbSNP rs200699902, ClinGen allele CA5169666.